The following is an entry in ClinVar:

NM_002335.4(LRP5):c.999_1005dup (p.Cys336fs)

Gene: LRP5 (LDL receptor related protein 5; plus strand). Cytogenetic location: 11q13.2.
Variant type: Duplication.
Coding change: c.999_1005dup on transcript NM_002335.4 (MANE Select); coding-DNA positions 999 to 1005, 7 bases duplicated (CAGGACG; older notation c.999_1005dupCAGGACG).
Protein change: p.Cys336fs; shifts the reading frame from cysteine 336.
Molecular consequence: frameshift variant. On other transcripts: 5 prime UTR variant (1).
Genome position (GRCh38, 1-based): chr11:68,365,686-68,365,692, CAGGACG duplicated; duplicating any 7 consecutive bases within chr11:68,365,685-68,365,692 gives the same sequence; the c. name uses the placement nearest the transcript's 3' end. VCF-style (leftmost placement, unchanged base first): chr11-68365684-G-GGCAGGAC. GRCh37 (hg19) VCF-style: chr11-68133152-G-GGCAGGAC.
Other names: c.-767_-761dup (NM_001291902.2); short protein forms C336fs.
Identifiers: ClinVar variation 1419445 (VCV001419445.6), dbSNP rs2153140607, ClinGen allele CA2573147527.

ClinVar aggregate classification (germline): Pathogenic (1 of 4 stars; one submission).

Submission:

Labcorp Genetics (formerly Invitae), Labcorp
Classification: Pathogenic. Last evaluated: 2024-12-15. Review status: criteria provided, single submitter. Criteria: Invitae Variant Classification Sherloc (09022015). Collection method: clinical testing. Allele origin: germline.
Comment: This sequence change creates a premature translational stop signal (p.Cys336Glnfs*4) in the LRP5 gene. It is expected to result in an absent or disrupted protein product. Loss-of-function variants in LRP5 are known to be pathogenic (PMID: 11719191, 16252235, 25711638). This variant is not present in population databases (gnomAD no frequency). This variant has not been reported in the literature in individuals affected with LRP5-related conditions. ClinVar contains an entry for this variant (Variation ID: 1419445). For these reasons, this variant has been classified as Pathogenic.

Literature cited by the submitters: PubMed 11719191; PubMed 16252235; PubMed 25711638.